The following is an entry in ClinVar:

NM_001048174.2(MUTYH):c.493-20G>C

Gene: MUTYH (mutY DNA glycosylase; minus strand). Cytogenetic location: 1p34.1.
Variant type: single nucleotide variant.
Coding change: c.493-20G>C on transcript NM_001048174.2 (MANE Select); 20 bases into the intron before coding-DNA position 493, G replaced by C.
Molecular consequence: intron variant.
Genome position (GRCh38, 1-based): chr1:45,332,707, C>G on the plus strand (G>C on the coding strand, the complement: MUTYH is on the minus strand). VCF-style: chr1-45332707-C-G. GRCh37 (hg19) VCF-style: chr1-45798379-C-G.
Other names: c.148-20G>C (NM_001350651.2, NM_001350650.2); c.217-20G>C (NM_001293192.2, NM_001293196.2); c.493-20G>C (NM_001048171.2, NM_001048173.2, NM_001293195.2); c.538-20G>C (NM_001293190.2); c.568-20G>C (NM_012222.3); c.577-20G>C (NM_001128425.2); c.496-20G>C (NM_001048172.2); c.526-20G>C (NM_001293191.2).
Identifiers: ClinVar variation 918861 (VCV000918861.3), dbSNP rs1645163445, ClinGen allele CA1139655530.

ClinVar aggregate classification (germline): Uncertain significance (1 of 4 stars; one submission).

Conditions:
Hereditary cancer-predisposing syndrome. Also called: Neoplastic Syndromes, Hereditary; Tumor predisposition; Hereditary Cancer Syndrome; Hereditary neoplastic syndrome. Identifiers: Orphanet 140162, MedGen C0027672, MeSH D009386, MONDO:0015356.

Submission:

Color Diagnostics, LLC DBA Color Health
Classification: Uncertain significance for Hereditary cancer-predisposing syndrome. Last evaluated: 2019-07-24. Review status: criteria provided, single submitter. Criteria: ACMG Guidelines, 2015. Collection method: clinical testing. Allele origin: germline.
Comment: This variant causes a G>C nucleotide substitution at the -20 position of intron 7 of the MUTYH RNA. Splice site prediction tools suggest that this variant may create a new splice acceptor site; however, this prediction has not been investigated in published functional studies. To our knowledge, this variant has not been reported in individuals affected with hereditary cancer in the literature. This variant has not been identified in the general population by the Genome Aggregation Database (gnomAD). Available evidence is insufficient to determine the role of this variant in disease conclusively. Therefore, this variant is classified as a Variant of Uncertain Significance.